The following is an entry in ClinVar:

ClinVar aggregate classification (germline): Benign/Likely benign. Review status: criteria provided, multiple submitters, no conflicts (2 of 4 stars). 2 submissions from 2 submitters: Benign (1); Likely benign (1). Last evaluated 2025-03-16.

Conditions:
Intellectual developmental disorder, X-linked 1. Also called: Atkin Flaitz Patil Smith syndrome; MENTAL RETARDATION, X-LINKED 18; MENTAL RETARDATION, X-LINKED 78; Intellectual disability, X-linked 1. Identifiers: Orphanet 777, MedGen C2931498, MONDO:0010656, OMIM 309530.

gnomAD v4.1: 19 of 1,209,335 alleles (0.0016%); highest among the groups gnomAD compares: South Asian, 0.0088%; no homozygotes.

Submissions (2):

Labcorp Genetics (formerly Invitae), Labcorp
Classification: Benign for Intellectual developmental disorder, X-linked 1. Last evaluated: 2025-03-16. Review status: criteria provided, single submitter. Criteria: Invitae Variant Classification Sherloc (09022015). Collection method: clinical testing. Allele origin: germline.

CeGaT Center for Human Genetics Tuebingen
Classification: Likely benign. Last evaluated: 2024-07-01. Review status: criteria provided, single submitter. Criteria: CeGaT Center For Human Genetics Tuebingen Variant Classification Criteria Version 2. Collection method: clinical testing. Allele origin: germline. Affected: yes. Observed: 1 variant allele.
Comment: IQSEC2: BS2

NM_001111125.3(IQSEC2):c.2571C>T (p.Ile857=)

Gene: IQSEC2 (IQ motif and Sec7 domain ArfGEF 2; minus strand). Cytogenetic location: Xp11.22.
Variant type: single nucleotide variant.
Coding change: c.2571C>T on transcript NM_001111125.3 (MANE Select); coding-DNA position 2571, C replaced by T.
Protein change: p.Ile857=; no amino-acid change (isoleucine 857 retained).
Molecular consequence: synonymous variant.
Genome position (GRCh38, 1-based): chrX:53,248,125, G>A on the plus strand (C>T on the coding strand, the complement: IQSEC2 is on the minus strand). VCF-style: chrX-53248125-G-A. GRCh37 (hg19) VCF-style: chrX-53277307-G-A.
Other names: c.2571C>T, p.Ile857= (NM_001410736.1); c.1956C>T, p.Ile652= (NM_015075.2).
Identifiers: ClinVar variation 1977180 (VCV001977180.22), dbSNP rs146979083, ClinGen allele CA10419924.